The following is an entry in ClinVar:

NM_015466.4(PTPN23):c.2248C>A (p.Pro750Thr)

Gene: PTPN23 (protein tyrosine phosphatase non-receptor type 23; plus strand). Cytogenetic location: 3p21.31.
Variant type: single nucleotide variant.
Coding change: c.2248C>A on transcript NM_015466.4 (MANE Select); coding-DNA position 2248, C replaced by A.
Protein change: p.Pro750Thr; replaces proline 750 with threonine.
Molecular consequence: missense variant.
Genome position (GRCh38, 1-based): chr3:47,410,046, C>A. VCF-style: chr3-47410046-C-A. GRCh37 (hg19) VCF-style: chr3-47451536-C-A.
Other names: c.1870C>A, p.Pro624Thr (NM_001304482.2); short protein forms P624T, P750T.
Identifiers: ClinVar variation 2059977 (VCV002059977.2), dbSNP rs199549354, ClinGen allele CA2365989.
Genomic context (GRCh38, chr3:47,410,046, plus strand): 5'-AGGGAGGAGAGTGAGGCAGTGGAAGCAGGAGACCCCCCTGAGGAGCTGCGCAGCCTCCCC[C>A]CTGACATGGTGGCTGGCCCACGACTGCCTGACACCTTCCTGGGAAGTGCCACCCCGCTCC-3'
Protein context (NP_056281.1, residues 740-760): DPPEELRSLP[Pro750Thr]DMVAGPRLPD

ClinVar aggregate classification (germline): Uncertain significance (1 of 4 stars; one submission).

Allele frequency attached by ClinVar (database versions not stated): 1000 Genomes Project 30x 0.00016.

Submission:

Labcorp Genetics (formerly Invitae), Labcorp
Classification: Uncertain significance. Last evaluated: 2022-03-29. Review status: criteria provided, single submitter. Criteria: Invitae Variant Classification Sherloc (09022015). Collection method: clinical testing. Allele origin: germline.
Comment: Algorithms developed to predict the effect of missense changes on protein structure and function are either unavailable or do not agree on the potential impact of this missense change (SIFT: "Deleterious"; PolyPhen-2: "Not Available"; Align-GVGD: "Class C0"). In summary, the available evidence is currently insufficient to determine the role of this variant in disease. Therefore, it has been classified as a Variant of Uncertain Significance. This variant has not been reported in the literature in individuals affected with PTPN23-related conditions. The frequency data for this variant in the population databases is considered unreliable, as metrics indicate poor data quality at this position in the gnomAD database. This sequence change replaces proline, which is neutral and non-polar, with threonine, which is neutral and polar, at codon 750 of the PTPN23 protein (p.Pro750Thr).